The following is an entry in ClinVar:

NM_000350.3(ABCA4):c.5887C>T (p.Arg1963Cys)

Gene: ABCA4 (ATP binding cassette subfamily A member 4; minus strand). Cytogenetic location: 1p22.1.
Variant type: single nucleotide variant.
Coding change: c.5887C>T on transcript NM_000350.3 (MANE Select); coding-DNA position 5887, C replaced by T.
Protein change: p.Arg1963Cys; replaces arginine 1963 with cysteine.
Molecular consequence: missense variant.
Genome position (GRCh38, 1-based): chr1:94,008,246, G>A on the plus strand (C>T on the coding strand, the complement: ABCA4 is on the minus strand). VCF-style: chr1-94008246-G-A. GRCh37 (hg19) VCF-style: chr1-94473802-G-A.
Other names: c.5665C>T, p.Arg1889Cys (NM_001425324.1); short protein forms R1963C, R1889C.
Identifiers: ClinVar variation 1916198 (VCV001916198.3), dbSNP rs777887467, ClinGen allele CA957092.

ClinVar aggregate classification (germline): Uncertain significance. Review status: criteria provided, multiple submitters, no conflicts (2 of 4 stars). 2 submissions from 2 submitters: Uncertain significance (2). Last evaluated 2024-07-24.

Allele frequency attached by ClinVar (database versions not stated): gnomAD 0.00001; ExAC 0.00002.
gnomAD v4.1: 11 of 1,614,002 alleles (0.00068%); highest among the groups gnomAD compares: African/African-American, 0.0027%; no homozygotes.

Submissions (2):

Women's Health and Genetics/Laboratory Corporation of America, LabCorp
Classification: Uncertain significance. Last evaluated: 2024-07-24. Review status: criteria provided, single submitter. Criteria: LabCorp Variant Classification Summary - May 2015. Collection method: clinical testing. Allele origin: germline.
Comment: Variant summary: ABCA4 c.5887C>T (p.Arg1963Cys) results in a non-conservative amino acid change located in the ABC transporter-like, ATP-binding domain (IPR003439) of the encoded protein sequence. Five of five in-silico tools predict a damaging effect of the variant on protein function. The variant allele was found at a frequency of 8e-06 in 251446 control chromosomes (gnomAD). The available data on variant occurrences in the general population are insufficient to allow any conclusion about variant significance. c.5887C>T has been reported in the literature in at least a heterozygous individual affected Stargardt disease 1/cone-rod dystrophy (example: Tracewska_2019). This report does not provide unequivocal conclusions about association of the variant with Retinitis Pigmentosa. To our knowledge, no experimental evidence demonstrating an impact on protein function has been reported. The following publication has been ascertained in the context of this evaluation (PMID: 31766579). ClinVar contains an entry for this variant (Variation ID: 1916198). Based on the evidence outlined above, the variant was classified as uncertain significance.

Labcorp Genetics (formerly Invitae), Labcorp
Classification: Uncertain significance. Last evaluated: 2021-12-09. Review status: criteria provided, single submitter. Criteria: Invitae Variant Classification Sherloc (09022015). Collection method: clinical testing. Allele origin: germline.
Comment: This sequence change replaces arginine, which is basic and polar, with cysteine, which is neutral and slightly polar, at codon 1963 of the ABCA4 protein (p.Arg1963Cys). This variant is present in population databases (rs777887467, gnomAD 0.007%). This missense change has been observed in individual(s) with clinical features of Stargardt disease and/or cone-rod dystrophy (PMID: 31766579). Algorithms developed to predict the effect of missense changes on protein structure and function (SIFT, PolyPhen-2, Align-GVGD) all suggest that this variant is likely to be disruptive. In summary, the available evidence is currently insufficient to determine the role of this variant in disease. Therefore, it has been classified as a Variant of Uncertain Significance.

Literature cited by the submitters: PubMed 31766579 (cited by Women's Health and Genetics/Laboratory Corporation of America, LabCorp and Labcorp Genetics (formerly Invitae), Labcorp).